The following is an entry in ClinVar:

NM_000179.3(MSH6):c.1214C>T (p.Ser405Phe)

Gene: MSH6 (mutS homolog 6; plus strand). Cytogenetic location: 2p16.3.
Variant type: single nucleotide variant.
Coding change: c.1214C>T on transcript NM_000179.3 (MANE Select); coding-DNA position 1214, C replaced by T.
Protein change: p.Ser405Phe; replaces serine 405 with phenylalanine.
Molecular consequence: missense variant.
Genome position (GRCh38, 1-based): chr2:47,799,197, C>T. VCF-style: chr2-47799197-C-T. GRCh37 (hg19) VCF-style: chr2-48026336-C-T.
Other names: c.824C>T, p.Ser275Phe (NM_001281492.2); c.308C>T, p.Ser103Phe (NM_001281493.2, NM_001281494.2); short protein forms S103F, S405F, S275F.
Identifiers: ClinVar variation 818593 (VCV000818593.8), dbSNP rs730881790, ClinGen allele CA346743524.

ClinVar aggregate classification (germline): Uncertain significance. Review status: criteria provided, multiple submitters, no conflicts (2 of 4 stars). 3 submissions from 3 submitters: Uncertain significance (3). Last evaluated 2025-06-22.

Conditions:
Hereditary nonpolyposis colorectal neoplasms. Identifiers: MedGen C0009405, MeSH D003123.
Hereditary cancer-predisposing syndrome. Also called: Tumor predisposition; Hereditary neoplastic syndrome; Neoplastic Syndromes, Hereditary; Hereditary Cancer Syndrome. Identifiers: Orphanet 140162, MedGen C0027672, MeSH D009386, MONDO:0015356.

gnomAD v4.1: 1 of 1,614,138 alleles (0.000062%); highest among the groups gnomAD compares: South Asian, 0.0011%; no homozygotes.

Submissions (3):

Labcorp Genetics (formerly Invitae), Labcorp
Classification: Uncertain significance for Hereditary nonpolyposis colorectal neoplasms. Last evaluated: 2025-06-22. Review status: criteria provided, single submitter. Criteria: Invitae Variant Classification Sherloc (09022015). Collection method: clinical testing. Allele origin: germline.
Comment: This sequence change replaces serine, which is neutral and polar, with phenylalanine, which is neutral and non-polar, at codon 405 of the MSH6 protein (p.Ser405Phe). This variant is not present in population databases (gnomAD no frequency). This variant has not been reported in the literature in individuals affected with MSH6-related conditions. ClinVar contains an entry for this variant (Variation ID: 818593). Invitae Evidence Modeling of protein sequence and biophysical properties (such as structural, functional, and spatial information, amino acid conservation, physicochemical variation, residue mobility, and thermodynamic stability) indicates that this missense variant is not expected to disrupt MSH6 protein function with a negative predictive value of 95%. In summary, the available evidence is currently insufficient to determine the role of this variant in disease. Therefore, it has been classified as a Variant of Uncertain Significance.

Color Diagnostics, LLC DBA Color Health
Classification: Uncertain significance for Hereditary cancer-predisposing syndrome. Last evaluated: 2023-01-23. Review status: criteria provided, single submitter. Criteria: ACMG Guidelines, 2015. Collection method: clinical testing. Allele origin: germline.
Comment: This missense variant replaces serine with phenylalanine at codon 405 of the MSH6 protein. Computational prediction suggests that this variant may not impact protein structure and function (internally defined REVEL score threshold <= 0.5, PMID: 27666373). To our knowledge, functional studies have not been reported for this variant. This variant has not been reported in individuals affected with MSH6-related disorders in the literature. This variant has not been identified in the general population by the Genome Aggregation Database (gnomAD). The available evidence is insufficient to determine the role of this variant in disease conclusively. Therefore, this variant is classified as a Variant of Uncertain Significance.

Ambry Genetics
Classification: Uncertain significance for Hereditary cancer-predisposing syndrome. Last evaluated: 2018-12-31. Review status: criteria provided, single submitter. Criteria: Ambry Variant Classification Scheme 2023. Collection method: clinical testing. Allele origin: germline.
Comment: The p.S405F variant (also known as c.1214C>T), located in coding exon 4 of the MSH6 gene, results from a C to T substitution at nucleotide position 1214. The serine at codon 405 is replaced by phenylalanine, an amino acid with highly dissimilar properties. This amino acid position is not well conserved in available vertebrate species. In addition, the in silico prediction for this alteration is inconclusive. In addition, the CoDP in silico tool predicts this alteration to have minor impact on molecular function, with a score of 0.206 (Terui H et al. J. Biomed. Sci. 2013 Apr;20:25). Since supporting evidence is limited at this time, the clinical significance of this alteration remains unclear.